The following is an entry in ClinVar:

NM_005356.5(LCK):c.415del (p.Arg139fs)

Gene: LCK (LCK proto-oncogene, Src family tyrosine kinase; plus strand). Cytogenetic location: 1p35.2.
Variant type: Deletion.
Coding change: c.415del on transcript NM_005356.5 (MANE Select); coding-DNA position 415, one base deleted (C; older notation c.415delC).
Protein change: p.Arg139fs; shifts the reading frame from arginine 139.
Molecular consequence: frameshift variant.
Genome position (GRCh38, 1-based): chr1:32,275,606, C deleted. VCF-style (leftmost placement, unchanged base first): chr1-32275605-GC-G. GRCh37 (hg19) VCF-style: chr1-32741206-GC-G.
Other names: c.415del, p.Arg139fs (NM_001042771.3, NM_001330468.2); short protein forms R139fs.
Identifiers: ClinVar variation 1038789 (VCV001038789.6), dbSNP rs1640237880, ClinGen allele CA2472848570.
Genomic context (GRCh38, chr1:32,275,605, plus strand): 5'-TTCGTTCGCTTCCGCCCTGCACAGCTGGTTCTTCAAGAACCTGAGCCGCAAGGACGCGGA[GC>G]GGCAGCTCCTGGCGCCCGGGAACACTCACGGCTCCTTCCTCATCCGGGAGAGCGAGAGCA-3'

ClinVar aggregate classification (germline): Pathogenic (1 of 4 stars; one submission).

Conditions:
Severe combined immunodeficiency due to LCK deficiency. Also called: Immunodeficiency 22. Identifiers: Orphanet 280142, MedGen C4014233, MONDO:0014334, OMIM 615758.

Submission:

Labcorp Genetics (formerly Invitae), Labcorp
Classification: Pathogenic for Severe combined immunodeficiency due to LCK deficiency. Last evaluated: 2022-09-19. Review status: criteria provided, single submitter. Criteria: Invitae Variant Classification Sherloc (09022015). Collection method: clinical testing. Allele origin: germline.
Comment: This sequence change creates a premature translational stop signal (p.Arg139Glyfs*40) in the LCK gene. It is expected to result in an absent or disrupted protein product. Loss-of-function variants in LCK are known to be pathogenic (PMID: 22985903, 27087313). This variant is not present in population databases (gnomAD no frequency). This variant has not been reported in the literature in individuals affected with LCK-related conditions. ClinVar contains an entry for this variant (Variation ID: 1038789). For these reasons, this variant has been classified as Pathogenic.

Literature cited by the submitters: PubMed 22985903; PubMed 27087313.